The following is an entry in ClinVar:

NM_001378454.1(ALMS1):c.3815_3817del (p.Val1272del)

Gene: ALMS1 (ALMS1 centrosome and basal body associated protein; plus strand). Cytogenetic location: 2p13.1.
Variant type: Deletion.
Coding change: c.3815_3817del on transcript NM_001378454.1 (MANE Select); coding-DNA positions 3815 to 3817, 3 bases deleted (TTG; older notation c.3815_3817delTTG).
Protein change: p.Val1272del; deletes valine 1272.
Molecular consequence: inframe deletion.
Genome position (GRCh38, 1-based): chr2:73,450,342-73,450,344, TTG deleted; deleting any 3 consecutive bases within chr2:73,450,341-73,450,344 gives the same sequence; the c. name uses the placement nearest the transcript's 3' end. VCF-style (leftmost placement, unchanged base first): chr2-73450340-AGTT-A. GRCh37 (hg19) VCF-style: chr2-73677467-AGTT-A.
Other names: c.3818_3820delTTG (NM_015120.4); c.3818_3820del, p.Val1273del (NM_015120.4); short protein forms V1273del, V1272del.
Identifiers: ClinVar variation 558546 (VCV000558546.6), dbSNP rs954466797, ClinGen allele CA50392868.

ClinVar aggregate classification (germline): Uncertain significance. Review status: criteria provided, single submitter (1 of 4 stars). 3 submissions from 3 submitters: Uncertain significance (1). 2 of the submissions do not count toward it. Last evaluated 2024-06-20.

Conditions:
Alstrom syndrome (ALMS). Identifiers: Orphanet 64, MedGen C0268425, MONDO:0008763, OMIM 203800.
Cardiovascular phenotype. Identifiers: MedGen CN230736.

Submissions (3):

Ambry Genetics
Classification: Uncertain significance for Cardiovascular phenotype. Last evaluated: 2024-06-20. Review status: criteria provided, single submitter. Criteria: Ambry Variant Classification Scheme 2023. Collection method: clinical testing. Allele origin: germline.
Comment: The c.3818_3820delTTG variant (also known as p.V1273del) is located in coding exon 8 of the ALMS1 gene. This variant results from an in-frame TTG deletion at nucleotide positions 3818 to 3820. This results in the in-frame deletion of a valine residue at codon 1273. This amino acid position is poorly conserved in available vertebrate species. In addition, this alteration is predicted to be neutral by in silico analysis (Choi Y et al. PLoS ONE. 2012; 7(10):e46688). Since supporting evidence is limited at this time, the clinical significance of this alteration remains unclear.

Natera, Inc.
Classification: Uncertain significance for Alstrom syndrome. Last evaluated: 2025-02-07. Review status: no assertion criteria provided. Collection method: clinical testing. Allele origin: germline. Not counted in ClinVar's aggregate classification.

Counsyl
Classification: Uncertain significance for Alstrom syndrome. Last evaluated: 2018-05-30. Review status: no assertion criteria provided. Collection method: clinical testing. Allele origin: unknown. Not counted in ClinVar's aggregate classification.